The following is an entry in ClinVar:

NM_021076.4(NEFH):c.473_490dup (p.Ala163_Arg164insLeuArgLeuGlyAlaAla)

Gene: NEFH (neurofilament heavy chain; plus strand). Cytogenetic location: 22q12.2.
Variant type: Duplication.
Coding change: c.473_490dup on transcript NM_021076.4 (MANE Select); coding-DNA positions 473 to 490, 18 bases duplicated (TGCGCCTGGGCGCGGCGC).
Protein change: p.Ala163_Arg164insLeuArgLeuGlyAlaAla.
Molecular consequence: inframe insertion.
Genome position (GRCh38, 1-based): chr22:29,480,735-29,480,752, TGCGCCTGGGCGCGGCGC duplicated; duplicating any 18 consecutive bases within chr22:29,480,733-29,480,752 gives the same sequence; the c. name uses the placement nearest the transcript's 3' end. VCF-style (leftmost placement, unchanged base first): chr22-29480732-T-TGCTGCGCCTGGGCGCGGC. GRCh37 (hg19) VCF-style: chr22-29876721-T-TGCTGCGCCTGGGCGCGGC.
Other names: c.473_490dup18 (NM_021076.3).
Identifiers: ClinVar variation 2986892 (VCV002986892.4), dbSNP rs1233081368, ClinGen allele CA638955295.
Genomic context (GRCh38, chr22:29,480,732, plus strand): 5'-CGGGCCGCTCCGCTATGGGCGAGCTGTACGAGCGCGAGGTCCGCGAGATGCGCGGCGCGG[T>TGCTGCGCCTGGGCGCGGC]GCTGCGCCTGGGCGCGGCGCGCGGTCAGCTACGCCTGGAGCAGGAGCACCTGCTCGAGGA-3'

ClinVar aggregate classification (germline): Uncertain significance. Review status: criteria provided, multiple submitters, no conflicts (2 of 4 stars). 2 submissions from 2 submitters: Uncertain significance (2). Last evaluated 2025-11-03.

Conditions:
NEFH-related disorder. Also called: NEFH-related condition.

Submissions (2):

PreventionGenetics, part of Exact Sciences
Classification: Uncertain significance for NEFH-related condition. Last evaluated: 2025-11-03. Review status: criteria provided, single submitter. Criteria: ACMG Guidelines, 2015. Collection method: clinical testing. Allele origin: germline.
Comment: The NEFH c.473_490dup18 variant is predicted to result in an in-frame duplication (p.Leu158_Ala163dup). To our knowledge, this variant has not been reported in the literature. This variant is reported in 0.0065% of alleles in individuals of European (non-Finnish) descent in gnomAD. At this time, the clinical significance of this variant is uncertain due to the absence of conclusive functional and genetic evidence.

Labcorp Genetics (formerly Invitae), Labcorp
Classification: Uncertain significance. Last evaluated: 2024-04-12. Review status: criteria provided, single submitter. Criteria: Invitae Variant Classification Sherloc (09022015). Collection method: clinical testing. Allele origin: germline.
Comment: This variant, c.473_490dup, results in the insertion of 6 amino acid(s) of the NEFH protein (p.Leu158_Ala163dup), but otherwise preserves the integrity of the reading frame. This variant is present in population databases (no rsID available, gnomAD 0.007%). This variant has not been reported in the literature in individuals affected with NEFH-related conditions. Experimental studies and prediction algorithms are not available or were not evaluated, and the functional significance of this variant is currently unknown. In summary, the available evidence is currently insufficient to determine the role of this variant in disease. Therefore, it has been classified as a Variant of Uncertain Significance.